The following is an entry in ClinVar:

ClinVar aggregate classification (germline): Pathogenic. Review status: criteria provided, multiple submitters, no conflicts (2 of 4 stars). 3 submissions from 3 submitters: Pathogenic (2). 1 of the submissions does not count toward it. Last evaluated 2024-11-08.

Conditions:
Bruck syndrome 1 (BRKS1). Also called: ARTHROGRYPOSIS-LIKE DISORDER. Identifiers: Orphanet 1149, Orphanet 2771, MedGen C1850168, MONDO:0009806, OMIM 259450.
Osteogenesis imperfecta type 11. Also called: OI, TYPE XI; Osteogenesis imperfecta, type XI. Identifiers: Orphanet 666, MedGen C3151218, MONDO:0012592, OMIM 610968.
Osteogenesis imperfecta (OI). Identifiers: Orphanet 666, MedGen C0029434, MeSH D010013, MONDO:0019019.

Submissions (3):

Women's Health and Genetics/Laboratory Corporation of America, LabCorp
Classification: Pathogenic for Osteogenesis imperfecta. Last evaluated: 2024-11-08. Review status: criteria provided, single submitter. Criteria: LabCorp Variant Classification Summary - May 2015. Collection method: clinical testing. Allele origin: germline.
Comment: Variant summary: FKBP10 c.743dupC (p.Gln249ThrfsX12) results in a premature termination codon, predicted to cause a truncation of the encoded protein or absence of the protein due to nonsense mediated decay, which are commonly known mechanisms for disease. The variant was absent in 251354 control chromosomes (gnomAD). c.743dupC has been reported in the literature in at least an individual affected with FKBP10-related conditions (example: Maddirevula_2020). These data indicate that the variant is very likely to be associated with disease. ClinVar contains an entry for this variant (Variation ID: 30635). Based on the evidence outlined above, the variant was classified as pathogenic.

Illumina Laboratory Services, Illumina
Classification: Pathogenic for Osteogenesis imperfecta type 11. Last evaluated: 2021-04-23. Review status: criteria provided, single submitter. Criteria: ICSLVariantClassificationCriteria RUGD 01 April 2020. Collection method: clinical testing. Allele origin: unknown.
Comment: The FKBP10 c.743dupC (p.Gln249ThrfsTer12) variant results in a frameshift and is predicted to result in premature termination or absence of the protein. The p.Gln249ThrfsTer12 variant has been reported in two studies in which it was identified in a homozygous state in at least three affected individuals from two families (Shaheen et al. 2011; Schwarze et al. 2013). The p.Gln249ThrfsTer12 variant is not found in the Genome Aggregation Database in a region of good sequence coverage, so the variant is presumed to be rare. RNA studies in patient cells demonstrated that the variant resulted in skipping of exons 5 and 6 but some residual mRNA was detected. Western blot analysis showed loss but not complete absence of the protein (Schwarze et al. 2013). Based on the collective evidence and application of the ACMG criteria, the c.743dupC (p.Gln249ThrfsTer12) variant is classified as pathogenic for osteogenesis imperfecta with or without joint contractures.

OMIM
Classification: Pathogenic for BRUCK SYNDROME 1. Last evaluated: 2011-06-01. Review status: no assertion criteria provided. Collection method: literature only. Allele origin: germline. Not counted in ClinVar's aggregate classification.

Literature cited by the submitters: PubMed 32552793 (cited by Women's Health and Genetics/Laboratory Corporation of America, LabCorp); PubMed 21567934 (cited by OMIM).

NM_021939.4(FKBP10):c.743dup (p.Gln249fs)

Gene: FKBP10 (FKBP prolyl isomerase 10; plus strand). Cytogenetic location: 17q21.2.
Variant type: Duplication.
Coding change: c.743dup on transcript NM_021939.4 (MANE Select); coding-DNA position 743, one base duplicated (C; older notation c.743dupC).
Protein change: p.Gln249fs; shifts the reading frame from glutamine 249.
Molecular consequence: frameshift variant.
Genome position (GRCh38, 1-based): chr17:41,819,225, C duplicated; the last of 6 consecutive C bases (chr17:41,819,220-41,819,225); duplicating any one gives the same sequence. VCF-style (leftmost placement, unchanged base first): chr17-41819219-T-TC. GRCh37 (hg19) VCF-style: chr17-39975471-T-TC.
Other names: c.743dupC (NM_021939.3, NM_021939.4); short protein forms Q249fs.
Identifiers: ClinVar variation 30635 (VCV000030635.3), dbSNP rs1555616552, ClinGen allele CA913191096.